The following is an entry in ClinVar:

ClinVar aggregate classification (germline): Likely benign. Review status: criteria provided, multiple submitters, no conflicts (2 of 4 stars). 2 submissions from 2 submitters: Likely benign (2). Last evaluated 2024-07-08.

Conditions:
Oligodontia-cancer predisposition syndrome. Also called: TOOTH AGENESIS-COLORECTAL CANCER SYNDROME. Identifiers: Orphanet 300576, MedGen C1837750, MONDO:0012075, OMIM 608615. Disease mechanism: loss of function.

Submissions (2):

Myriad Genetics, Inc.
Classification: Likely benign for Oligodontia-cancer predisposition syndrome. Last evaluated: 2024-07-08. Review status: criteria provided, single submitter. Criteria: Myriad Autosomal Dominant, Autosomal Recessive and X-Linked Classification Criteria (2023). Collection method: clinical testing. Allele origin: unknown.
Comment: This variant is considered likely benign. This variant is intronic and is not expected to impact mRNA splicing.

Labcorp Genetics (formerly Invitae), Labcorp
Classification: Likely benign for Oligodontia-cancer predisposition syndrome. Last evaluated: 2023-08-04. Review status: criteria provided, single submitter. Criteria: Invitae Variant Classification Sherloc (09022015). Collection method: clinical testing. Allele origin: germline.

NM_004655.4(AXIN2):c.1713-11G>C

Gene: AXIN2 (axin 2; minus strand). Cytogenetic location: 17q24.1.
Variant type: single nucleotide variant.
Coding change: c.1713-11G>C on transcript NM_004655.4 (MANE Select); 11 bases into the intron before coding-DNA position 1713, G replaced by C.
Molecular consequence: intron variant.
Genome position (GRCh38, 1-based): chr17:65,537,074, C>G on the plus strand (G>C on the coding strand, the complement: AXIN2 is on the minus strand). VCF-style: chr17-65537074-C-G. GRCh37 (hg19) VCF-style: chr17-63533192-C-G.
Other names: c.1712+250G>C (NM_001363813.1).
Identifiers: ClinVar variation 1591946 (VCV001591946.9), dbSNP rs1356540009, ClinGen allele CA2573154737.
Genomic context (GRCh38, chr17:65,537,074, plus strand): 5'-GCTCCGTGCCTTTCCCATTGCGTTTGGGCAAGGTACTGCCTCTGCTGCCGCTGTGGGGAA[C>G]CAAGAACCACACCCAACCCAGAGACCCGGTTAAATCTCCGGGACTCCTAGAATCAGACAA-3'